The following is an entry in ClinVar:

ClinVar aggregate classification (germline): Uncertain significance. Review status: criteria provided, multiple submitters, no conflicts (2 of 4 stars). 3 submissions from 3 submitters: Uncertain significance (3). Last evaluated 2022-07-19.

Conditions:
Sclerosteosis 2 (SOST2). Identifiers: Orphanet 3152, MedGen C3280402, MONDO:0013679, OMIM 614305.
Cenani-Lenz syndactyly syndrome. Also called: SYNDACTYLY, TYPE VII; CENANI SYNDACTYLISM. Identifiers: Orphanet 3258, MedGen C1859309, MONDO:0008931, OMIM 212780.
Congenital myasthenic syndrome 17. Identifiers: Orphanet 590, MedGen C4225377, MONDO:0014578, OMIM 616304.
Inborn genetic diseases. Identifiers: MedGen C0950123, MeSH D030342.

Allele frequency attached by ClinVar (database versions not stated): gnomAD exomes 0.00001 and 0.00003; ExAC 0.00002; TOPMed 0.00002; gnomAD 0.00003.
gnomAD v4.1: 23 of 1,613,982 alleles (0.0014%); highest among the groups gnomAD compares: Admixed American, 0.0017%; no homozygotes.

Submissions (3):

Labcorp Genetics (formerly Invitae), Labcorp
Classification: Uncertain significance for Cenani-Lenz syndactyly syndrome; Sclerosteosis 2; Congenital myasthenic syndrome 17. Last evaluated: 2022-07-19. Review status: criteria provided, single submitter. Criteria: Invitae Variant Classification Sherloc (09022015). Collection method: clinical testing. Allele origin: germline.
Comment: This sequence change replaces serine, which is neutral and polar, with leucine, which is neutral and non-polar, at codon 1200 of the LRP4 protein (p.Ser1200Leu). This variant is present in population databases (rs749792822, gnomAD 0.007%). This variant has not been reported in the literature in individuals affected with LRP4-related conditions. ClinVar contains an entry for this variant (Variation ID: 1523316). Algorithms developed to predict the effect of missense changes on protein structure and function (SIFT, PolyPhen-2, Align-GVGD) all suggest that this variant is likely to be disruptive. In summary, the available evidence is currently insufficient to determine the role of this variant in disease. Therefore, it has been classified as a Variant of Uncertain Significance.

Fulgent Genetics
Classification: Uncertain significance for Cenani-Lenz syndactyly syndrome; Sclerosteosis 2; Congenital myasthenic syndrome 17. Last evaluated: 2022-04-06. Review status: criteria provided, single submitter. Criteria: ACMG Guidelines, 2015. Collection method: clinical testing. Allele origin: unknown.

Ambry Genetics
Classification: Uncertain significance for Inborn genetic diseases. Last evaluated: 2022-02-02. Review status: criteria provided, single submitter. Criteria: Ambry Variant Classification Scheme 2023. Collection method: clinical testing. Allele origin: germline.

NM_002334.4(LRP4):c.3599C>T (p.Ser1200Leu)

Gene: LRP4 (LDL receptor related protein 4; minus strand). Cytogenetic location: 11p11.2.
Variant type: single nucleotide variant.
Coding change: c.3599C>T on transcript NM_002334.4 (MANE Select); coding-DNA position 3599, C replaced by T.
Protein change: p.Ser1200Leu; replaces serine 1200 with leucine.
Molecular consequence: missense variant.
Genome position (GRCh38, 1-based): chr11:46,875,904, G>A on the plus strand (C>T on the coding strand, the complement: LRP4 is on the minus strand). VCF-style: chr11-46875904-G-A. GRCh37 (hg19) VCF-style: chr11-46897455-G-A.
Other names: c.3599C>T (NM_002334.3); short protein forms S1200L.
Identifiers: ClinVar variation 1523316 (VCV001523316.7), dbSNP rs749792822, ClinGen allele CA5969536.
Genomic context (GRCh38, chr11:46,875,904, plus strand): 5'-TTGTCCACAGTCAGTCCATTGGGCCATCCTAGGTTGTTGTTGATGAGCACCGCGCGGTCT[G>A]AGCCATCCATTCCGGACCGCTCTAACTTGGCATTCTCCCCCCAGTCTGTCCAGTACATAA-3'
Protein context (NP_002325.2, residues 1190-1210): AKLERSGMDG[Ser1200Leu]DRAVLINNNL